The following is an entry in ClinVar:

ClinVar aggregate classification (germline): Uncertain significance (1 of 4 stars; one submission).

Conditions:
Autosomal recessive limb-girdle muscular dystrophy type R18 (LGMDR18). Also called: MUSCULAR DYSTROPHY, LIMB-GIRDLE, AUTOSOMAL RECESSIVE 18; Autosomal recessive limb-girdle muscular dystrophy type 2S; Limb-girdle muscular dystrophy, type 2S. Identifiers: Orphanet 369840, MedGen C4517996, MONDO:0014144, OMIM 615356.

Allele frequency attached by ClinVar (database versions not stated): gnomAD exomes below 0.00001.
gnomAD v4.1: 4 of 1,612,066 alleles (0.00025%); highest among the groups gnomAD compares: Non-Finnish European, 0.00025%; no homozygotes.

Submission:

Labcorp Genetics (formerly Invitae), Labcorp
Classification: Uncertain significance for Autosomal recessive limb-girdle muscular dystrophy type R18. Last evaluated: 2022-06-11. Review status: criteria provided, single submitter. Criteria: Invitae Variant Classification Sherloc (09022015). Collection method: clinical testing. Allele origin: germline.
Comment: This sequence change replaces glutamic acid, which is acidic and polar, with aspartic acid, which is acidic and polar, at codon 733 of the TRAPPC11 protein (p.Glu733Asp). This variant is not present in population databases (gnomAD no frequency). This variant has not been reported in the literature in individuals affected with TRAPPC11-related conditions. Algorithms developed to predict the effect of missense changes on protein structure and function are either unavailable or do not agree on the potential impact of this missense change (SIFT: "Tolerated"; PolyPhen-2: "Possibly Damaging"; Align-GVGD: "Class C0"). In summary, the available evidence is currently insufficient to determine the role of this variant in disease. Therefore, it has been classified as a Variant of Uncertain Significance.

NM_021942.6(TRAPPC11):c.2199A>T (p.Glu733Asp)

Gene: TRAPPC11 (trafficking protein particle complex subunit 11; plus strand). Cytogenetic location: 4q35.1.
Variant type: single nucleotide variant.
Coding change: c.2199A>T on transcript NM_021942.6 (MANE Select); coding-DNA position 2199, A replaced by T.
Protein change: p.Glu733Asp; replaces glutamic acid 733 with aspartic acid.
Molecular consequence: missense variant.
Genome position (GRCh38, 1-based): chr4:183,693,109, A>T. VCF-style: chr4-183693109-A-T. GRCh37 (hg19) VCF-style: chr4-184614262-A-T.
Other names: c.2199A>T, p.Glu733Asp (NM_199053.3); short protein forms E733D.
Identifiers: ClinVar variation 1924556 (VCV001924556.2), dbSNP rs1736340781, ClinGen allele CA358871028.